The following is an entry in ClinVar:

NM_001367721.1(CASK):c.172+5_172+6delinsAT

Gene: CASK (calcium/calmodulin dependent serine protein kinase; minus strand). Cytogenetic location: Xp11.4.
Variant type: Indel.
Coding change: c.172+5_172+6delinsAT on transcript NM_001367721.1 (MANE Select); bases 5 to 6 of the intron after coding-DNA position 172, GA replaced by AT.
Molecular consequence: intron variant.
Genome position (GRCh38, 1-based): chrX:41,853,109-41,853,110, TC replaced by AT on the plus strand (GA replaced by AT on the coding strand, the reverse complement: CASK is on the minus strand). VCF-style: chrX-41853109-TC-AT. GRCh37 (hg19) VCF-style: chrX-41712362-TC-AT.
Other names: c.172+5_172+6delinsAT (NM_001126055.3, NM_001410745.1, NM_001126054.3 and 1 more transcripts).
Identifiers: ClinVar variation 2431385 (VCV002431385.2), dbSNP rs2519892333, ClinGen allele CA2580100903.

ClinVar aggregate classification (germline): Uncertain significance (1 of 4 stars; one submission).

Conditions:
FG syndrome 4 (FGS4). Identifiers: MedGen C1845546, MONDO:0010318, OMIM 300422.

Submission:

Laboratorio de Genetica e Diagnostico Molecular, Hospital Israelita Albert Einstein
Classification: Uncertain significance for FG syndrome 4. Last evaluated: 2022-12-21. Review status: criteria provided, single submitter. Criteria: ACMG Guidelines, 2015. Collection method: clinical testing. Allele origin: germline. Affected: yes.
Comment: ACMG classification criteria: PM2 moderated